The following is an entry in ClinVar:

NM_152722.5(HEPACAM):c.217C>T (p.Arg73Trp)

Gene: HEPACAM (hepatic and glial cell adhesion molecule; minus strand). Cytogenetic location: 11q24.2.
Variant type: single nucleotide variant.
Coding change: c.217C>T on transcript NM_152722.5 (MANE Select); coding-DNA position 217, C replaced by T.
Protein change: p.Arg73Trp; replaces arginine 73 with tryptophan.
Molecular consequence: missense variant.
Genome position (GRCh38, 1-based): chr11:124,924,938, G>A on the plus strand (C>T on the coding strand, the complement: HEPACAM is on the minus strand). VCF-style: chr11-124924938-G-A. GRCh37 (hg19) VCF-style: chr11-124794834-G-A.
Other names: short protein forms R73W.
Identifiers: ClinVar variation 1187211 (VCV001187211.6), dbSNP rs768471108, ClinGen allele CA6345791.

ClinVar aggregate classification (germline): Uncertain significance. Review status: criteria provided, multiple submitters, no conflicts (2 of 4 stars). 3 submissions from 3 submitters: Uncertain significance (3). Last evaluated 2026-09-11.

Conditions:
Megalencephalic leukoencephalopathy with subcortical cysts 2B, remitting, with or without impaired intellectual development. Also called: Megalencephalic leukoencephalopathy with subcortical cysts 2B, remitting, with or without intellectual disability. Identifiers: Orphanet 2478, MedGen C3151356, MONDO:0013491, OMIM 613926.
Megalencephalic leukoencephalopathy with subcortical cysts 1 (MLC1). Also called: LEUKOENCEPHALOPATHY WITH SWELLING AND CYSTS; VACUOLATING MEGALENCEPHALIC LEUKOENCEPHALOPATHY WITH SUBCORTICAL CYSTS. Identifiers: Orphanet 2478, MedGen C5779875, MONDO:0024555, OMIM 604004.
Megalencephalic leukoencephalopathy with subcortical cysts 2A. Identifiers: Orphanet 2478, MedGen C3151355, MONDO:0013490, OMIM 613925.

Allele frequency attached by ClinVar (database versions not stated): gnomAD 0.00001.
gnomAD v4.1: 24 of 1,613,758 alleles (0.0015%); highest among the groups gnomAD compares: South Asian, 0.0033%; no homozygotes.

Submissions (3):

GeneDx
Classification: Uncertain significance. Last evaluated: 2026-09-11. Review status: criteria provided, single submitter. Criteria: GeneDx Variant Classification Process June 2021. Collection method: clinical testing. Allele origin: germline.
Comment: Published functional studies demonstrate no damaging effect (PMID: 24202401); In silico analysis supports that this missense variant has a deleterious effect on protein structure/function; This variant is associated with the following publications: (PMID: 34426522, 24202401)

Blueprint Genetics
Classification: Uncertain significance. Last evaluated: 2024-08-26. Review status: criteria provided, single submitter. Criteria: ACMG Guidelines, 2015. Collection method: clinical testing. Allele origin: germline.

Fulgent Genetics
Classification: Uncertain significance for Megalencephalic leukoencephalopathy with subcortical cysts 1; Megalencephalic leukoencephalopathy with subcortical cysts 2A; Megalencephalic leukoencephalopathy with subcortical cysts 2B, remitting, with or without impaired intellectual development. Last evaluated: 2021-08-23. Review status: criteria provided, single submitter. Criteria: ACMG Guidelines, 2015. Collection method: clinical testing. Allele origin: unknown.